The following is an entry in ClinVar:

NM_001042492.3(NF1):c.2974A>G (p.Met992Val)

Gene: NF1 (neurofibromin 1; plus strand). Cytogenetic location: 17q11.2.
Variant type: single nucleotide variant.
Coding change: c.2974A>G on transcript NM_001042492.3 (MANE Select); coding-DNA position 2974, A replaced by G.
Protein change: p.Met992Val; replaces methionine 992 with valine.
Molecular consequence: missense variant.
Genome position (GRCh38, 1-based): chr17:31,229,958, A>G. VCF-style: chr17-31229958-A-G. GRCh37 (hg19) VCF-style: chr17-29556976-A-G.
Other names: c.2974A>G, p.Met992Val (NM_000267.4); short protein forms M992V.
Identifiers: ClinVar variation 4119109 (VCV004119109.1).

ClinVar aggregate classification (germline): Uncertain significance (1 of 4 stars; one submission).

Conditions:
Cardiovascular phenotype. Identifiers: MedGen CN230736.
Hereditary cancer-predisposing syndrome. Also called: Hereditary neoplastic syndrome; Neoplastic Syndromes, Hereditary; Tumor predisposition; Hereditary Cancer Syndrome. Identifiers: Orphanet 140162, MedGen C0027672, MeSH D009386, MONDO:0015356.

Submission:

Ambry Genetics
Classification: Uncertain significance for Cardiovascular phenotype; Hereditary cancer-predisposing syndrome. Last evaluated: 2025-07-20. Review status: criteria provided, single submitter. Criteria: Ambry Variant Classification Scheme 2023. Collection method: clinical testing. Allele origin: germline.
Comment: The p.M992V variant (also known as c.2974A>G), located in coding exon 22 of the NF1 gene, results from an A to G substitution at nucleotide position 2974. The methionine at codon 992 is replaced by valine, an amino acid with highly similar properties. This amino acid position is conserved. In addition, the in silico prediction for this alteration is inconclusive. Based on the available evidence, the clinical significance of this variant remains unclear.